The following is an entry in ClinVar:

ClinVar aggregate classification (germline): Uncertain significance. Review status: criteria provided, multiple submitters, no conflicts (2 of 4 stars). 2 submissions from 2 submitters: Uncertain significance (2). Last evaluated 2023-10-13.

Allele frequency attached by ClinVar (database versions not stated): TOPMed 0.00002.
gnomAD v4.1: 91 of 1,545,088 alleles (0.0059%); highest among the groups gnomAD compares: Non-Finnish European, 0.0075%; no homozygotes.

Submissions (2):

Labcorp Genetics (formerly Invitae), Labcorp
Classification: Uncertain significance. Last evaluated: 2023-10-13. Review status: criteria provided, single submitter. Criteria: Invitae Variant Classification Sherloc (09022015). Collection method: clinical testing. Allele origin: germline.
Comment: This sequence change replaces methionine, which is neutral and non-polar, with valine, which is neutral and non-polar, at codon 46 of the LRIT3 protein (p.Met46Val). This variant is present in population databases (rs200501695, gnomAD 0.004%). This variant has not been reported in the literature in individuals affected with LRIT3-related conditions. ClinVar contains an entry for this variant (Variation ID: 450894). An algorithm developed to predict the effect of missense changes on protein structure and function (PolyPhen-2) suggests that this variant¬†is likely to be tolerated. In summary, the available evidence is currently insufficient to determine the role of this variant in disease. Therefore, it has been classified as a Variant of Uncertain Significance.

GeneDx
Classification: Uncertain significance. Last evaluated: 2017-08-02. Review status: criteria provided, single submitter. Criteria: GeneDx Variant Classification (06012015). Collection method: clinical testing. Allele origin: germline. Affected: yes.
Comment: The M46V variant in the LRIT3 gene has not been reported previously as a pathogenic variant, nor as a benign variant, to our knowledge. The M46V variant is not observed at a significant frequency in large population cohorts (Lek et al., 2016; 1000 Genomes Consortium et al., 2015; Exome Variant Server). The M46V variant is a conservative amino acid substitution, which is not likely to impact secondary protein structure as these residues share similar properties. This substitution occurs at a position that is not conserved. In silico analysis predicts this variant likely does not alter the protein structure/function. We interpret M46V as a variant of uncertain significance.

NM_198506.5(LRIT3):c.136A>G (p.Met46Val)

Gene: LRIT3 (leucine rich repeat, Ig-like and transmembrane domains 3; plus strand). Cytogenetic location: 4q25.
Variant type: single nucleotide variant.
Coding change: c.136A>G on transcript NM_198506.5 (MANE Select); coding-DNA position 136, A replaced by G.
Protein change: p.Met46Val; replaces methionine 46 with valine.
Molecular consequence: missense variant.
Genome position (GRCh38, 1-based): chr4:109,851,523, A>G. VCF-style: chr4-109851523-A-G. GRCh37 (hg19) VCF-style: chr4-110772679-A-G.
Other names: short protein forms M46V.
Identifiers: ClinVar variation 450894 (VCV000450894.6), dbSNP rs200501695, ClinGen allele CA3042968.